The following is an entry in ClinVar:

NM_001164508.2(NEB):c.25061T>C (p.Leu8354Ser)

Genes: NEB (nebulin; minus strand), RIF1 (replication timing regulatory factor 1; plus strand). Cytogenetic location: 2q23.3.
Variant type: single nucleotide variant.
Coding change: c.25061T>C on transcript NM_001164508.2 (MANE Select); coding-DNA position 25061, T replaced by C.
Protein change: p.Leu8354Ser; replaces leucine 8354 with serine.
Molecular consequence: missense variant.
Genome position (GRCh38, 1-based): chr2:151,491,772, A>G on the plus strand (T>C on the coding strand, the complement: NEB is on the minus strand). VCF-style: chr2-151491772-A-G. GRCh37 (hg19) VCF-style: chr2-152348286-A-G.
Other names: c.25061T>C, p.Leu8354Ser (NM_001164507.2); c.25166T>C, p.Leu8389Ser (NM_001271208.2); c.19493T>C, p.Leu6498Ser (NM_004543.5); short protein forms L8389S, L6498S, L8354S.
Identifiers: ClinVar variation 4749681 (VCV004749681.1).

ClinVar aggregate classification (germline): Uncertain significance (1 of 4 stars; one submission).

Conditions:
Nemaline myopathy 2 (NEM2). Also called: Nemaline myopathy 2, autosomal recessive. Identifiers: MedGen C1850569, MONDO:0009725, OMIM 256030.

Submission:

Labcorp Genetics (formerly Invitae), Labcorp
Classification: Uncertain significance for Nemaline myopathy 2. Last evaluated: 2025-12-15. Review status: criteria provided, single submitter. Criteria: Invitae Variant Classification Sherloc (09022015). Collection method: clinical testing. Allele origin: germline.
Comment: This sequence change replaces leucine, which is neutral and non-polar, with serine, which is neutral and polar, at codon 8389 of the NEB protein (p.Leu8389Ser). This variant is not present in population databases (gnomAD no frequency). This variant has not been reported in the literature in individuals affected with NEB-related conditions. Experimental studies and prediction algorithms are not available or were not evaluated, and the functional significance of this variant is currently unknown. In summary, the available evidence is currently insufficient to determine the role of this variant in disease. Therefore, it has been classified as a Variant of Uncertain Significance.